The following is an entry in ClinVar:

NM_002691.4(POLD1):c.232C>T (p.Arg78Cys)

Gene: POLD1 (DNA polymerase delta 1, catalytic subunit; plus strand). Cytogenetic location: 19q13.33.
Variant type: single nucleotide variant.
Coding change: c.232C>T on transcript NM_002691.4 (MANE Select); coding-DNA position 232, C replaced by T.
Protein change: p.Arg78Cys; replaces arginine 78 with cysteine.
Molecular consequence: missense variant. On other transcripts: non-coding transcript variant (1).
Genome position (GRCh38, 1-based): chr19:50,399,400, C>T. VCF-style: chr19-50399400-C-T. GRCh37 (hg19) VCF-style: chr19-50902657-C-T.
Other names: c.232C>T, p.Arg78Cys (NM_001256849.1, NM_001308632.1); c.232C>T (NM_002691.2); short protein forms R78C.
Identifiers: ClinVar variation 239286 (VCV000239286.20), dbSNP rs141319800, ClinGen allele CA9595656.

ClinVar aggregate classification (germline): Conflicting classifications of pathogenicity. Review status: criteria provided, conflicting classifications (1 of 4 stars). 5 submissions from 5 submitters: Uncertain significance (4); Likely benign (1). Last evaluated 2026-01-02.

Conditions:
POLD1-related polyposis and colorectal cancer syndrome (CRCS10). Also called: COLORECTAL CANCER, SUSCEPTIBILITY TO, ON CHROMOSOME 19q; Colorectal cancer 10; Colorectal cancer, susceptibility to, 10. Identifiers: Orphanet 220460, MedGen C2675481, MONDO:0012953, OMIM 612591.
Hereditary cancer-predisposing syndrome. Also called: Hereditary Cancer Syndrome; Neoplastic Syndromes, Hereditary; Hereditary neoplastic syndrome; Tumor predisposition. Identifiers: Orphanet 140162, MedGen C0027672, MeSH D009386, MONDO:0015356.
Mandibular hypoplasia-deafness-progeroid syndrome. Also called: Mandibular hypoplasia, deafness, progeroid features, and lipodystrophy syndrome. Identifiers: Orphanet 363649, MedGen C3715192, MONDO:0014157, OMIM 615381.

Allele frequency attached by ClinVar (database versions not stated): gnomAD exomes 0.00002 and 0.00003; gnomAD 0.00003; ExAC 0.00004; TOPMed 0.00005; ESP Exome Variant Server 0.00008.
gnomAD v4.1: 38 of 1,614,164 alleles (0.0024%); highest among the groups gnomAD compares: African/African-American, 0.017%; no homozygotes.

Submissions (5):

Labcorp Genetics (formerly Invitae), Labcorp
Classification: Uncertain significance for POLD1-related polyposis and colorectal cancer syndrome. Last evaluated: 2026-01-02. Review status: criteria provided, single submitter. Criteria: Invitae Variant Classification Sherloc (09022015). Collection method: clinical testing. Allele origin: germline.
Comment: This sequence change replaces arginine, which is basic and polar, with cysteine, which is neutral and slightly polar, at codon 78 of the POLD1 protein (p.Arg78Cys). This variant is present in population databases (rs141319800, gnomAD 0.02%). This missense change has been observed in individual(s) with breast cancer (PMID: 31780696). ClinVar contains an entry for this variant (Variation ID: 239286). Invitae Evidence Modeling of protein sequence and biophysical properties (such as structural, functional, and spatial information, amino acid conservation, physicochemical variation, residue mobility, and thermodynamic stability) indicates that this missense variant is not expected to disrupt POLD1 protein function with a negative predictive value of 80%. In summary, the available evidence is currently insufficient to determine the role of this variant in disease. Therefore, it has been classified as a Variant of Uncertain Significance.

GeneDx
Classification: Uncertain significance. Last evaluated: 2025-06-18. Review status: criteria provided, single submitter. Criteria: GeneDx Variant Classification Process June 2021. Collection method: clinical testing. Allele origin: germline. Affected: yes.
Comment: In silico analysis supports that this missense variant has a deleterious effect on protein structure/function; Observed among individuals with breast cancer and previously negative BRCA1/2 analysis (PMID: 31780696); This variant is associated with the following publications: (PMID: 25344691, 29056344, 35620275, 31780696)

St. Jude Molecular Pathology, St. Jude Children's Research Hospital
Classification: Uncertain significance for POLD1-related polyposis and colorectal cancer syndrome. Last evaluated: 2025-06-17. Review status: criteria provided, single submitter. Criteria: St. Jude Assertion Criteria 2020. Collection method: clinical testing. Allele origin: germline.
Comment: The POLD1 c.232C>T p.(Arg78Cys) missense change has a maximum subpopulation frequency of 0.02% in gnomAD v2.1.1. The in silico tool REVEL predicts a benign effect on protein function, but to our knowledge this prediction has not been confirmed by functional studies. To our knowledge, this variant has not been reported in individuals with POLD1-related disease. In summary, the evidence currently available is insufficient to determine the clinical significance of this variant. It has therefore been classified as of uncertain significance.

Ambry Genetics
Classification: Likely benign for Hereditary cancer-predisposing syndrome. Last evaluated: 2024-08-23. Review status: criteria provided, single submitter. Criteria: Ambry Variant Classification Scheme 2023. Collection method: clinical testing. Allele origin: germline.

Baylor Genetics
Classification: Uncertain significance for Mandibular hypoplasia-deafness-progeroid syndrome. Last evaluated: 2019-07-09. Review status: criteria provided, single submitter. Criteria: ACMG Guidelines, 2015. Collection method: clinical testing. Allele origin: maternal. Affected: yes. Study: CSER-TexasKidsCanSeq.
Comment: This variant was determined to be of uncertain significance according to ACMG Guidelines, 2015 [PMID:25741868].

Literature cited by the submitters: PubMed 31780696 (cited by Labcorp Genetics (formerly Invitae), Labcorp).